The following is an entry in ClinVar:

NM_000180.4(GUCY2D):c.2798T>C (p.Val933Ala)

Gene: GUCY2D (guanylate cyclase 2D, retinal; plus strand). Cytogenetic location: 17p13.1.
Variant type: single nucleotide variant.
Coding change: c.2798T>C on transcript NM_000180.4 (MANE Select); coding-DNA position 2798, T replaced by C.
Protein change: p.Val933Ala; replaces valine 933 with alanine.
Molecular consequence: missense variant.
Genome position (GRCh38, 1-based): chr17:8,015,356, T>C. VCF-style: chr17-8015356-T-C. GRCh37 (hg19) VCF-style: chr17-7918674-T-C.
Other names: short protein forms V933A.
Identifiers: ClinVar variation 617917 (VCV000617917.5), dbSNP rs1567961904, ClinGen allele CA397954359.

ClinVar aggregate classification (germline): Uncertain significance. Review status: criteria provided, multiple submitters, no conflicts (2 of 4 stars). 3 submissions from 3 submitters: Uncertain significance (2). 1 of the submissions does not count toward it. Last evaluated 2021-04-06.

Conditions:
Choroidal dystrophy, central areolar, 1. Identifiers: Orphanet 75377, MedGen C4551884, MONDO:0024539, OMIM 215500.

Submissions (3):

Blueprint Genetics
Classification: Uncertain significance. Last evaluated: 2021-04-06. Review status: criteria provided, single submitter. Criteria: ACMG Guidelines, 2015. Collection method: clinical testing. Allele origin: germline.

SIB Swiss Institute of Bioinformatics
Classification: Uncertain significance for Choroidal dystrophy, central areolar, 1. Last evaluated: 2018-10-15. Review status: criteria provided, single submitter. Criteria: ACMG Guidelines, 2015. Collection method: curation. Allele origin: unknown.
Comment: This variant is interpreted as Uncertain Significance - Insufficient Evidence, for Choroidal dystrophy, central areolar 1, autosomal recessive. The following ACMG Tag(s) were applied: PM2 => Absent from controls (or at extremely low frequency if recessive) in Exome Sequencing Project, 1000 Genomes Project, or Exome Aggregation Consortium. PP1 => Cosegregation with disease in multiple affected family members in a gene definitively known to cause the disease (PubMed 22695961). PP3 => Multiple lines of computational evidence support a deleterious effect on the gene or gene product. PM1-Supporting => PM1 downgraded in strength to Supporting.

OMIM
Classification: Pathogenic for CENTRAL AREOLAR CHOROIDAL DYSTROPHY 1 (1 family). Last evaluated: 2023-08-18. Review status: no assertion criteria provided. Collection method: literature only. Allele origin: germline. Not counted in ClinVar's aggregate classification.

Literature cited by the submitters: PubMed 22695961 (cited by SIB Swiss Institute of Bioinformatics and OMIM); PubMed 8733141 (cited by OMIM).